The following is an entry in ClinVar:

NM_000466.3(PEX1):c.837G>T (p.Lys279Asn)

Gene: PEX1 (peroxisomal biogenesis factor 1; minus strand). Cytogenetic location: 7q21.2.
Variant type: single nucleotide variant.
Coding change: c.837G>T on transcript NM_000466.3 (MANE Select); coding-DNA position 837, G replaced by T.
Protein change: p.Lys279Asn; replaces lysine 279 with asparagine.
Molecular consequence: missense variant.
Genome position (GRCh38, 1-based): chr7:92,517,678, C>A on the plus strand (G>T on the coding strand, the complement: PEX1 is on the minus strand). VCF-style: chr7-92517678-C-A. GRCh37 (hg19) VCF-style: chr7-92146992-C-A.
Other names: c.837G>T, p.Lys279Asn (NM_001282677.2); c.213G>T, p.Lys71Asn (NM_001282678.2); short protein forms K279N, K71N.
Identifiers: ClinVar variation 4690453 (VCV004690453.1).

ClinVar aggregate classification (germline): Uncertain significance (1 of 4 stars; one submission).

Conditions:
Zellweger spectrum disorders (ZS). Also called: Zellweger Spectrum Disorder; Zellweger Spectrum; Zellweger syndrome; Zellweger Spectrum Disorder (ZSD). Identifiers: Orphanet 912, MedGen C0043459, MONDO:0019609.

Submission:

Labcorp Genetics (formerly Invitae), Labcorp
Classification: Uncertain significance for Zellweger spectrum disorders. Last evaluated: 2025-07-10. Review status: criteria provided, single submitter. Criteria: Invitae Variant Classification Sherloc (09022015). Collection method: clinical testing. Allele origin: germline.
Comment: This sequence change replaces lysine, which is basic and polar, with asparagine, which is neutral and polar, at codon 279 of the PEX1 protein (p.Lys279Asn). This variant is not present in population databases (gnomAD no frequency). This variant has not been reported in the literature in individuals affected with PEX1-related conditions. Invitae Evidence Modeling of protein sequence and biophysical properties (such as structural, functional, and spatial information, amino acid conservation, physicochemical variation, residue mobility, and thermodynamic stability) indicates that this missense variant is not expected to disrupt PEX1 protein function with a negative predictive value of 95%. In summary, the available evidence is currently insufficient to determine the role of this variant in disease. Therefore, it has been classified as a Variant of Uncertain Significance.